The following is an entry in ClinVar:

NM_001605.3(AARS1):c.390T>G (p.Ile130Met)

Gene: AARS1 (alanyl-tRNA synthetase 1; minus strand). Cytogenetic location: 16q22.1.
Variant type: single nucleotide variant.
Coding change: c.390T>G on transcript NM_001605.3 (MANE Select); coding-DNA position 390, T replaced by G.
Protein change: p.Ile130Met; replaces isoleucine 130 with methionine.
Molecular consequence: missense variant.
Genome position (GRCh38, 1-based): chr16:70,276,575, A>C on the plus strand (T>G on the coding strand, the complement: AARS1 is on the minus strand). VCF-style: chr16-70276575-A-C. GRCh37 (hg19) VCF-style: chr16-70310478-A-C.
Other names: short protein forms I130M.
Identifiers: ClinVar variation 2767040 (VCV002767040.3), dbSNP rs2507028664, ClinGen allele CA396568937.

ClinVar aggregate classification (germline): Uncertain significance (1 of 4 stars; one submission).

Conditions:
Charcot-Marie-Tooth disease type 2. Also called: Charcot-Marie-Tooth type 2. Identifiers: Orphanet 64746, MedGen C0270914, MONDO:0018993.

Submission:

Labcorp Genetics (formerly Invitae), Labcorp
Classification: Uncertain significance for Charcot-Marie-Tooth disease type 2. Last evaluated: 2023-10-09. Review status: criteria provided, single submitter. Criteria: Invitae Variant Classification Sherloc (09022015). Collection method: clinical testing. Allele origin: germline.
Comment: This sequence change replaces isoleucine, which is neutral and non-polar, with methionine, which is neutral and non-polar, at codon 130 of the AARS protein (p.Ile130Met). This variant is not present in population databases (gnomAD no frequency). This variant has not been reported in the literature in individuals affected with AARS-related conditions. Advanced modeling of protein sequence and biophysical properties (such as structural, functional, and spatial information, amino acid conservation, physicochemical variation, residue mobility, and thermodynamic stability) performed at Invitae indicates that this missense variant is not expected to disrupt AARS protein function. In summary, the available evidence is currently insufficient to determine the role of this variant in disease. Therefore, it has been classified as a Variant of Uncertain Significance.